The following is an entry in ClinVar:

ClinVar aggregate classification (germline): Uncertain significance (1 of 4 stars; one submission).

Conditions:
Hermansky-Pudlak syndrome 2 (HPS2). Also called: Platelet defects and oculocutaneous albinism. Identifiers: Orphanet 183678, Orphanet 79430, MedGen C1842362, MONDO:0011997, OMIM 608233.

Allele frequency attached by ClinVar (database versions not stated): gnomAD exomes 0.00001; TOPMed 0.00001.
gnomAD v4.1: 11 of 1,613,134 alleles (0.00068%); highest among the groups gnomAD compares: Admixed American, 0.0033%; no homozygotes.

Submission:

Labcorp Genetics (formerly Invitae), Labcorp
Classification: Uncertain significance for Hermansky-Pudlak syndrome 2. Last evaluated: 2024-10-28. Review status: criteria provided, single submitter. Criteria: Invitae Variant Classification Sherloc (09022015). Collection method: clinical testing. Allele origin: germline.
Comment: This sequence change replaces arginine, which is basic and polar, with histidine, which is basic and polar, at codon 573 of the AP3B1 protein (p.Arg573His). This variant is present in population databases (no rsID available, gnomAD 0.003%). This variant has not been reported in the literature in individuals affected with AP3B1-related conditions. ClinVar contains an entry for this variant (Variation ID: 568722). An algorithm developed to predict the effect of missense changes on protein structure and function (PolyPhen-2) suggests that this variant is likely to be disruptive. In summary, the available evidence is currently insufficient to determine the role of this variant in disease. Therefore, it has been classified as a Variant of Uncertain Significance.

NM_003664.5(AP3B1):c.1718G>A (p.Arg573His)

Gene: AP3B1 (adaptor related protein complex 3 subunit beta 1; minus strand). Cytogenetic location: 5q14.1.
Variant type: single nucleotide variant.
Coding change: c.1718G>A on transcript NM_003664.5 (MANE Select); coding-DNA position 1718, G replaced by A.
Protein change: p.Arg573His; replaces arginine 573 with histidine.
Molecular consequence: missense variant.
Genome position (GRCh38, 1-based): chr5:78,129,240, C>T on the plus strand (G>A on the coding strand, the complement: AP3B1 is on the minus strand). VCF-style: chr5-78129240-C-T. GRCh37 (hg19) VCF-style: chr5-77425064-C-T.
Other names: c.1571G>A, p.Arg524His (NM_001271769.2); short protein forms R573H, R524H.
Identifiers: ClinVar variation 568722 (VCV000568722.10), dbSNP rs1229904606, ClinGen allele CA360188026.